The following is an entry in ClinVar:

ClinVar aggregate classification (germline): Likely pathogenic (1 of 4 stars; one submission).

Conditions:
Mucopolysaccharidosis, MPS-IV-B (MPS4B). Also called: MORQUIO SYNDROME B; Mucopolysaccharidosis Type IVB (Morquio B Disease); Mucopolysaccharidosis type 4B; Mucopolysaccharidosis type IVB (Morquio); MPS IVB; Mucopolysaccharidosis type IV B. Identifiers: Orphanet 309310, Orphanet 582, MedGen C0086652, MONDO:0009660, OMIM 253010.

Submission:

Laboratory of Inherited Metabolic Diseases, Research centre for medical genetics
Classification: Likely pathogenic for Mucopolysaccharidosis, MPS-IV-B. Review status: criteria provided, single submitter. Criteria: ACMG Guidelines, 2015. Collection method: research. Allele origin: germline. Affected: yes. Observed: 1 variant allele, 1 compound heterozygote.
Comment: The GLB1 mRNA analysis demonstrated the inclusion of the 18 b.p. fragment of the intron 5 (NC_000003.11:g.33100082_33100099) r.552_553insCATTTCTACCATGGGAAG. Detected in-trans with the pathogenic c.808T>G (p.Tyr270Asp) variant.

Single allele

Gene: GLB1 (galactosidase beta 1; minus strand). Cytogenetic location: 3p22.3.
Variant type: Complex.
Identifiers: ClinVar variation 1344904 (VCV001344904.2).